The following is an entry in ClinVar:

ClinVar aggregate classification (germline): Uncertain significance (1 of 4 stars; one submission).

Conditions:
Hypomagnesemia, seizures, and impaired intellectual development 2. Also called: Hypomagnesemia, seizures, and intellectual disability 2. Identifiers: MedGen C5193023, MONDO:0020788, OMIM 618314.
Charcot-Marie-tooth disease, axonal, type 2DD. Also called: CHARCOT-MARIE-TOOTH NEUROPATHY, TYPE 2DD. Identifiers: Orphanet 521414, MedGen C4747974, MONDO:0054833, OMIM 618036.

Submission:

Juno Genomics, Hangzhou Juno Genomics, Inc
Classification: Uncertain significance for Hypomagnesemia, seizures, and impaired intellectual development 2; Charcot-Marie-tooth disease, axonal, type 2DD. Review status: criteria provided, single submitter. Criteria: ACMG Guidelines, 2015. Collection method: clinical testing. Allele origin: germline.
Comment: Absent from controls (or at extremely low frequency if recessive) in Genome Aggregation Database.;Multiple lines of computational evidence support a deleterious effect on the gene or gene product.;Missense variant in a gene that has a low rate of benign missense variation.

NM_000701.8(ATP1A1):c.259C>A (p.Pro87Thr)

Gene: ATP1A1 (ATPase Na+/K+ transporting subunit alpha 1; plus strand). Cytogenetic location: 1p13.1.
Variant type: single nucleotide variant.
Coding change: c.259C>A on transcript NM_000701.8 (MANE Select); coding-DNA position 259, C replaced by A.
Protein change: p.Pro87Thr; replaces proline 87 with threonine.
Molecular consequence: missense variant.
Genome position (GRCh38, 1-based): chr1:116,387,363, C>A. VCF-style: chr1-116387363-C-A. GRCh37 (hg19) VCF-style: chr1-116929985-C-A.
Other names: c.259C>A, p.Pro87Thr (NM_001160233.2); c.166C>A, p.Pro56Thr (NM_001160234.2); short protein forms P87T, P56T.
Identifiers: ClinVar variation 5006000 (VCV005006000.2).